The following is an entry in ClinVar:

ClinVar aggregate classification (germline): Uncertain significance (1 of 4 stars; one submission).

Submission:

Labcorp Genetics (formerly Invitae), Labcorp
Classification: Uncertain significance. Last evaluated: 2022-06-19. Review status: criteria provided, single submitter. Criteria: Invitae Variant Classification Sherloc (09022015). Collection method: clinical testing. Allele origin: germline.
Comment: In summary, the available evidence is currently insufficient to determine the role of this variant in disease. Therefore, it has been classified as a Variant of Uncertain Significance. Algorithms developed to predict the effect of missense changes on protein structure and function are either unavailable or do not agree on the potential impact of this missense change (SIFT: "Deleterious"; PolyPhen-2: "Benign"; Align-GVGD: "Class C0"). This variant has not been reported in the literature in individuals affected with PCDH15-related conditions. This variant is not present in population databases (gnomAD no frequency). This sequence change replaces methionine, which is neutral and non-polar, with lysine, which is basic and polar, at codon 500 of the PCDH15 protein (p.Met500Lys).

NM_001384140.1(PCDH15):c.1499T>A (p.Met500Lys)

Gene: PCDH15 (protocadherin related 15; minus strand). Cytogenetic location: 10q21.1.
Variant type: single nucleotide variant.
Coding change: c.1499T>A on transcript NM_001384140.1 (MANE Select); coding-DNA position 1499, T replaced by A.
Protein change: p.Met500Lys; replaces methionine 500 with lysine.
Molecular consequence: missense variant.
Genome position (GRCh38, 1-based): chr10:54,183,535, A>T on the plus strand (T>A on the coding strand, the complement: PCDH15 is on the minus strand). VCF-style: chr10-54183535-A-T. GRCh37 (hg19) VCF-style: chr10-55943295-A-T.
Other names: c.1514T>A, p.Met505Lys (NM_001142763.2, NM_001142771.2); c.1499T>A, p.Met500Lys (NM_001142764.2, NM_001142765.2, NM_001142766.2 and 6 more transcripts); c.1388T>A, p.Met463Lys (NM_001142767.2); c.1433T>A, p.Met478Lys (NM_001142768.2, NM_001142773.2, NM_001354404.2); c.1535T>A, p.Met512Lys (NM_001142769.4); c.1520T>A, p.Met507Lys (NM_001354411.2); short protein forms M507K, M478K, M505K, M463K, M512K, M500K.
Identifiers: ClinVar variation 2045095 (VCV002045095.4), dbSNP rs2539476453, ClinGen allele CA376514646.